The following is an entry in ClinVar:

NM_002470.4(MYH3):c.4183G>A (p.Ala1395Thr)

Gene: MYH3 (myosin heavy chain 3; minus strand). Cytogenetic location: 17p13.1.
Variant type: single nucleotide variant.
Coding change: c.4183G>A on transcript NM_002470.4 (MANE Select); coding-DNA position 4183, G replaced by A.
Protein change: p.Ala1395Thr; replaces alanine 1395 with threonine.
Molecular consequence: missense variant.
Genome position (GRCh38, 1-based): chr17:10,635,013, C>T on the plus strand (G>A on the coding strand, the complement: MYH3 is on the minus strand). VCF-style: chr17-10635013-C-T. GRCh37 (hg19) VCF-style: chr17-10538330-C-T.
Other names: short protein forms A1395T.
Identifiers: ClinVar variation 3297444 (VCV003297444.3).

ClinVar aggregate classification (germline): Uncertain significance. Review status: criteria provided, multiple submitters, no conflicts (2 of 4 stars). 2 submissions from 2 submitters: Uncertain significance (2). Last evaluated 2024-10-07.

Conditions:
Inborn genetic diseases. Identifiers: MedGen C0950123, MeSH D030342.

gnomAD v4.1: 6 of 1,614,134 alleles (0.00037%); highest among the groups gnomAD compares: Non-Finnish European, 0.00051%; no homozygotes.

Submissions (2):

Labcorp Genetics (formerly Invitae), Labcorp
Classification: Uncertain significance. Last evaluated: 2024-10-07. Review status: criteria provided, single submitter. Criteria: Invitae Variant Classification Sherloc (09022015). Collection method: clinical testing. Allele origin: germline.
Comment: This sequence change replaces alanine, which is neutral and non-polar, with threonine, which is neutral and polar, at codon 1395 of the MYH3 protein (p.Ala1395Thr). This variant is present in population databases (no rsID available, gnomAD 0.0009%). This variant has not been reported in the literature in individuals affected with MYH3-related conditions. Invitae Evidence Modeling of protein sequence and biophysical properties (such as structural, functional, and spatial information, amino acid conservation, physicochemical variation, residue mobility, and thermodynamic stability) indicates that this missense variant is not expected to disrupt MYH3 protein function with a negative predictive value of 95%. In summary, the available evidence is currently insufficient to determine the role of this variant in disease. Therefore, it has been classified as a Variant of Uncertain Significance.

Ambry Genetics
Classification: Uncertain significance for Inborn genetic diseases. Last evaluated: 2024-05-08. Review status: criteria provided, single submitter. Criteria: Ambry Variant Classification Scheme 2023. Collection method: clinical testing. Allele origin: germline.